The following is an entry in ClinVar:

NM_001256545.2(MEGF10):c.2857-2A>C

Gene: MEGF10 (multiple EGF like domains 10; plus strand). Cytogenetic location: 5q23.2.
Variant type: single nucleotide variant.
Coding change: c.2857-2A>C on transcript NM_001256545.2 (MANE Select); the canonical splice acceptor site of the intron before coding-DNA position 2857, A replaced by C.
Molecular consequence: splice acceptor variant.
Genome position (GRCh38, 1-based): chr5:127,449,097, A>C. VCF-style: chr5-127449097-A-C. GRCh37 (hg19) VCF-style: chr5-126784789-A-C.
Other names: c.2857-2A>C (NM_032446.3).
Identifiers: ClinVar variation 1953122 (VCV001953122.5), dbSNP rs199750143, ClinGen allele CA360735325.

ClinVar aggregate classification (germline): Likely pathogenic (1 of 4 stars; one submission).

Conditions:
MEGF10-related myopathy (CMYO10A). Also called: Congenital myopathy 10A, severe variant. Identifiers: Orphanet 439212, MedGen C3280679, MONDO:0013731, OMIM 614399.

gnomAD v4.1: 1 of 1,614,042 alleles (0.000062%); highest among the groups gnomAD compares: Admixed American, 0.0017%; no homozygotes.

Submission:

Labcorp Genetics (formerly Invitae), Labcorp
Classification: Likely pathogenic for MEGF10-related myopathy. Last evaluated: 2025-09-03. Review status: criteria provided, single submitter. Criteria: Invitae Variant Classification Sherloc (09022015). Collection method: clinical testing. Allele origin: germline.
Comment: This sequence change affects an acceptor splice site in intron 22 of the MEGF10 gene. It is expected to disrupt RNA splicing. Variants that disrupt the donor or acceptor splice site typically lead to a loss of protein function (PMID: 16199547), and loss-of-function variants in MEGF10 are known to be pathogenic (PMID: 22101682, 22371254, 23453856, 23954233). This variant is not present in population databases (gnomAD no frequency). This variant has not been reported in the literature in individuals affected with MEGF10-related conditions. ClinVar contains an entry for this variant (Variation ID: 1953122). Algorithms developed to predict the effect of sequence changes on RNA splicing suggest that this variant may disrupt the consensus splice site. In summary, the currently available evidence indicates that the variant is pathogenic, but additional data are needed to prove that conclusively. Therefore, this variant has been classified as Likely Pathogenic.

Literature cited by the submitters: PubMed 16199547; PubMed 22101682; PubMed 22371254; PubMed 23453856; PubMed 23954233.